The following is an entry in ClinVar:

ClinVar aggregate classification (germline): Uncertain significance (1 of 4 stars; one submission).

Submission:

Mayo Clinic Laboratories, Mayo Clinic
Classification: Uncertain significance. Last evaluated: 2023-12-27. Review status: criteria provided, single submitter. Criteria: ACMG Guidelines, 2015. Collection method: clinical testing. Allele origin: germline. Observed: 1 variant allele.
Comment: PM2

NM_000257.4(MYH7):c.1139-3C>G

Gene: MYH7 (myosin heavy chain 7; minus strand). Cytogenetic location: 14q11.2.
Variant type: single nucleotide variant.
Coding change: c.1139-3C>G on transcript NM_000257.4 (MANE Select); 3 bases into the intron before coding-DNA position 1139, C replaced by G.
Molecular consequence: intron variant.
Genome position (GRCh38, 1-based): chr14:23,429,350, G>C on the plus strand (C>G on the coding strand, the complement: MYH7 is on the minus strand). VCF-style: chr14-23429350-G-C. GRCh37 (hg19) VCF-style: chr14-23898559-G-C.
Other names: p.?; c.1139-3C>G (NM_001407004.1).
Identifiers: ClinVar variation 3380180 (VCV003380180.1).